The following is an entry in ClinVar:

NM_000090.4(COL3A1):c.2931+20A>G

Gene: COL3A1 (collagen type III alpha 1 chain; plus strand). Cytogenetic location: 2q32.2.
Variant type: single nucleotide variant.
Coding change: c.2931+20A>G on transcript NM_000090.4 (MANE Select); 20 bases into the intron after coding-DNA position 2931, A replaced by G.
Molecular consequence: intron variant.
Genome position (GRCh38, 1-based): chr2:189,004,384, A>G. VCF-style: chr2-189004384-A-G. GRCh37 (hg19) VCF-style: chr2-189869110-A-G.
Identifiers: ClinVar variation 507638 (VCV000507638.6), dbSNP rs1553509243, ClinGen allele CA658796124.

ClinVar aggregate classification (germline): Likely benign. Review status: criteria provided, multiple submitters, no conflicts (2 of 4 stars). 2 submissions from 2 submitters: Likely benign (2). Last evaluated 2024-12-25.

Conditions:
Ehlers-Danlos syndrome, type 4 (EDSVASC). Also called: Ehlers-Danlos syndrome vascular type; Ehlers Danlos syndrome, ecchymotic type; Ehlers Danlos syndrome, arterial type; Ehlers Danlos syndrome, Sack-Barabas type; Ehlers-Danlos Syndrome Type IV. Identifiers: Orphanet 286, MedGen C0268338, MONDO:0017314, OMIM 130050.

gnomAD v4.1: 1 of 1,566,948 alleles (0.000064%); no homozygotes.

Submissions (2):

Labcorp Genetics (formerly Invitae), Labcorp
Classification: Likely benign for Ehlers-Danlos syndrome, type 4. Last evaluated: 2024-12-25. Review status: criteria provided, single submitter. Criteria: Invitae Variant Classification Sherloc (09022015). Collection method: clinical testing. Allele origin: germline.

GeneDx
Classification: Likely benign. Last evaluated: 2017-02-23. Review status: criteria provided, single submitter. Criteria: GeneDx Variant Classification (06012015). Collection method: clinical testing. Allele origin: germline. Affected: yes.
Comment: This variant is considered likely benign or benign based on one or more of the following criteria: it is a conservative change, it occurs at a poorly conserved position in the protein, it is predicted to be benign by multiple in silico algorithms, and/or has population frequency not consistent with disease.